The following is an entry in ClinVar:

NM_058216.3(RAD51C):c.163G>A (p.Ala55Thr)

Gene: RAD51C (RAD51 paralog C; plus strand). Cytogenetic location: 17q22.
Variant type: single nucleotide variant.
Coding change: c.163G>A on transcript NM_058216.3 (MANE Select); coding-DNA position 163, G replaced by A.
Protein change: p.Ala55Thr; replaces alanine 55 with threonine.
Molecular consequence: missense variant. On other transcripts: non-coding transcript variant (2).
Genome position (GRCh38, 1-based): chr17:58,694,948, G>A. VCF-style: chr17-58694948-G-A. GRCh37 (hg19) VCF-style: chr17-56772309-G-A.
Other names: c.163G>A, p.Ala55Thr (NM_002876.4); short protein forms A55T.
Identifiers: ClinVar variation 482160 (VCV000482160.21), dbSNP rs1555593472, ClinGen allele CA400339634.

ClinVar aggregate classification (germline): Conflicting classifications of pathogenicity. Review status: criteria provided, conflicting classifications (1 of 4 stars). 5 submissions from 5 submitters: Uncertain significance (4); Benign (1). Last evaluated 2025-11-17.

Conditions:
Hereditary cancer-predisposing syndrome. Also called: Hereditary neoplastic syndrome; Neoplastic Syndromes, Hereditary; Tumor predisposition; Hereditary Cancer Syndrome. Identifiers: Orphanet 140162, MedGen C0027672, MeSH D009386, MONDO:0015356.
Breast-ovarian cancer, familial, susceptibility to, 3. Also called: RAD51C-Related Breast/Ovarian Cancer. Identifiers: Orphanet 145, MedGen C3150659, MONDO:0013253, OMIM 613399.
Fanconi anemia complementation group O. Also called: RAD51C-Related Fanconi Anemia. Identifiers: Orphanet 84, MedGen C3150653, MONDO:0013248, OMIM 613390.

Allele frequency attached by ClinVar (database versions not stated): gnomAD exomes below 0.00001; TOPMed below 0.00001.
gnomAD v4.1: 4 of 1,613,780 alleles (0.00025%); highest among the groups gnomAD compares: African/African-American, 0.0027%; no homozygotes.

Submissions (5):

Labcorp Genetics (formerly Invitae), Labcorp
Classification: Uncertain significance for Fanconi anemia complementation group O. Last evaluated: 2025-11-17. Review status: criteria provided, single submitter. Criteria: Invitae Variant Classification Sherloc (09022015). Collection method: clinical testing. Allele origin: germline.
Comment: This sequence change replaces alanine, which is neutral and non-polar, with threonine, which is neutral and polar, at codon 55 of the RAD51C protein (p.Ala55Thr). This variant is not present in population databases (gnomAD no frequency). This variant has not been reported in the literature in individuals affected with RAD51C-related conditions. ClinVar contains an entry for this variant (Variation ID: 482160). Invitae Evidence Modeling of protein sequence and biophysical properties (such as structural, functional, and spatial information, amino acid conservation, physicochemical variation, residue mobility, and thermodynamic stability) indicates that this missense variant is not expected to disrupt RAD51C protein function with a negative predictive value of 80%. In summary, the available evidence is currently insufficient to determine the role of this variant in disease. Therefore, it has been classified as a Variant of Uncertain Significance.

Ambry Genetics
Classification: Benign for Hereditary cancer-predisposing syndrome. Last evaluated: 2025-10-17. Review status: criteria provided, single submitter. Criteria: Ambry Variant Classification Scheme 2023. Collection method: clinical testing. Allele origin: germline.

GeneDx
Classification: Uncertain significance. Last evaluated: 2022-10-11. Review status: criteria provided, single submitter. Criteria: GeneDx Variant Classification Process June 2021. Collection method: clinical testing. Allele origin: germline. Affected: yes.
Comment: Not observed at significant frequency in large population cohorts (gnomAD); In silico analysis supports that this missense variant does not alter protein structure/function; Has not been previously published as pathogenic or benign to our knowledge

Fulgent Genetics
Classification: Uncertain significance for Fanconi anemia complementation group O; Breast-ovarian cancer, familial, susceptibility to, 3. Last evaluated: 2021-08-09. Review status: criteria provided, single submitter. Criteria: ACMG Guidelines, 2015. Collection method: clinical testing. Allele origin: unknown.

Color Diagnostics, LLC DBA Color Health
Classification: Uncertain significance for Hereditary cancer-predisposing syndrome. Last evaluated: 2020-01-23. Review status: criteria provided, single submitter. Criteria: ACMG Guidelines, 2015. Collection method: clinical testing. Allele origin: germline.
Comment: This missense variant replaces alanine with threonine at codon 55 of the RAD51C protein. Computational prediction suggests that this variant may not impact protein structure and function (internally defined REVEL score threshold <= 0.5, PMID: 27666373). Splice site prediction tools suggest that this variant may not impact RNA splicing. To our knowledge, functional studies have not been performed for this variant. This variant has not been reported in individuals affected with hereditary cancer in the literature. This variant has not been identified in the general population by the Genome Aggregation Database (gnomAD). The available evidence is insufficient to determine the role of this variant in disease conclusively. Therefore, this variant is classified as a Variant of Uncertain Significance.